The following is an entry in ClinVar:

ClinVar aggregate classification (germline): Uncertain significance. Review status: criteria provided, multiple submitters, no conflicts (2 of 4 stars). 3 submissions from 3 submitters: Uncertain significance (2). 1 of the submissions does not count toward it. Last evaluated 2026-01-28.

Conditions:
POT1-related disorder. Also called: POT1-related condition.
Tumor predisposition syndrome 3 (TPDS3). Also called: Melanoma, cutaneous malignant, susceptibility to, 10; LONG TELOMERE SYNDROME, POT1-RELATED; POT1 Tumor Predisposition; Glioma susceptibility 9. Identifiers: Orphanet 618, MedGen C4014476, MONDO:0014368, OMIM 615848.
Hereditary cancer-predisposing syndrome. Also called: Tumor predisposition; Neoplastic Syndromes, Hereditary; Hereditary neoplastic syndrome; Hereditary Cancer Syndrome. Identifiers: Orphanet 140162, MedGen C0027672, MeSH D009386, MONDO:0015356.

Allele frequency attached by ClinVar (database versions not stated): TOPMed below 0.00001.
gnomAD v4.1: 1 of 1,613,514 alleles (0.000062%); highest among the groups gnomAD compares: Non-Finnish European, 0.000085%; no homozygotes.

Submissions (3):

Labcorp Genetics (formerly Invitae), Labcorp
Classification: Uncertain significance for Tumor predisposition syndrome 3. Last evaluated: 2026-01-28. Review status: criteria provided, single submitter. Criteria: Invitae Variant Classification Sherloc (09022015). Collection method: clinical testing. Allele origin: germline.
Comment: This sequence change replaces serine, which is neutral and polar, with leucine, which is neutral and non-polar, at codon 467 of the POT1 protein (p.Ser467Leu). This variant is not present in population databases (gnomAD no frequency). This missense change has been observed in individual(s) with multiple primary melanoma (PMID: 32325837). ClinVar contains an entry for this variant (Variation ID: 580428). Invitae Evidence Modeling of protein sequence and biophysical properties (such as structural, functional, and spatial information, amino acid conservation, physicochemical variation, residue mobility, and thermodynamic stability) indicates that this missense variant is not expected to disrupt POT1 protein function with a negative predictive value of 80%. In summary, the available evidence is currently insufficient to determine the role of this variant in disease. Therefore, it has been classified as a Variant of Uncertain Significance.

Ambry Genetics
Classification: Uncertain significance for Hereditary cancer-predisposing syndrome. Last evaluated: 2025-07-16. Review status: criteria provided, single submitter. Criteria: Ambry Variant Classification Scheme 2023. Collection method: clinical testing. Allele origin: germline.
Comment: The p.S467L variant (also known as c.1400C>T), located in coding exon 11 of the POT1 gene, results from a C to T substitution at nucleotide position 1400. The serine at codon 467 is replaced by leucine, an amino acid with dissimilar properties. This amino acid position is not well conserved in available vertebrate species. In addition, this alteration is predicted to be tolerated by in silico analysis. Since supporting evidence is limited at this time, the clinical significance of this alteration remains unclear.

PreventionGenetics, part of Exact Sciences
Classification: Uncertain significance for POT1-related condition. Last evaluated: 2024-03-01. Review status: no assertion criteria provided. Collection method: clinical testing. Allele origin: germline. Not counted in ClinVar's aggregate classification.
Comment: The POT1 c.1400C>T variant is predicted to result in the amino acid substitution p.Ser467Leu. This variant has been reported in an individual with multiple primary melanoma (Pastorino et al. 2020. PubMed ID: 32325837). This variant has not been reported in a large population database, indicating this variant is rare. At this time, the clinical significance of this variant is uncertain due to the absence of conclusive functional and genetic evidence.

Literature cited by the submitters: PubMed 32325837 (cited by Labcorp Genetics (formerly Invitae), Labcorp and Ambry Genetics).

NM_015450.3(POT1):c.1400C>T (p.Ser467Leu)

Gene: POT1 (protection of telomeres 1; minus strand). Cytogenetic location: 7q31.33.
Variant type: single nucleotide variant.
Coding change: c.1400C>T on transcript NM_015450.3 (MANE Select); coding-DNA position 1400, C replaced by T.
Protein change: p.Ser467Leu; replaces serine 467 with leucine.
Molecular consequence: missense variant. On other transcripts: non-coding transcript variant (3).
Genome position (GRCh38, 1-based): chr7:124,835,384, G>A on the plus strand (C>T on the coding strand, the complement: POT1 is on the minus strand). VCF-style: chr7-124835384-G-A. GRCh37 (hg19) VCF-style: chr7-124475438-G-A.
Other names: c.1007C>T, p.Ser336Leu (NM_001042594.2); short protein forms S467L, S336L.
Identifiers: ClinVar variation 580428 (VCV000580428.13), dbSNP rs1410842025, ClinGen allele CA16616743.